The following is an entry in ClinVar:

ClinVar aggregate classification (germline): Pathogenic/Likely pathogenic. Review status: criteria provided, multiple submitters, no conflicts (2 of 4 stars). 2 submissions from 2 submitters: Pathogenic (1); Likely pathogenic (1). Last evaluated 2024-12-20.

Conditions:
COL7A1-related disorder. Also called: COL7A1-related condition; COL7A1- related disorders.

Submissions (2):

3billion
Classification: Likely pathogenic for COL7A1-related disorder. Last evaluated: 2024-12-20. Review status: criteria provided, single submitter. Criteria: ACMG Guidelines, 2015. Collection method: clinical testing. Allele origin: germline. Affected: yes.
Comment: The variant is not observed in the gnomAD v4.1.0 dataset. Predicted Consequence/Location: Missense variant In silico tool predictions suggest damaging effect of the variant on gene or gene product [REVEL: 0.96 (>=0.6, sensitivity 0.68 and specificity 0.92); 3Cnet: 0.99 (>=0.6, sensitivity 0.72 and precision 0.9)]. The same nucleotide change resulting in the same amino acid change has been previously reported to be associated with COL7A1-related disorder (ClinVar ID: VCV001693021 /PMID: 22266148). The variant has been observed in at least two similarly affected unrelated individuals (PMID: 22266148, 23397949). Different missense changes at the same codon (p.Gly1773Arg, p.Gly1773Asp) have been reported to be associated with COL7A1-related disorder (PMID: 19197535, 21879237). Therefore, this variant is classified as Likely pathogenic according to the recommendation of ACMG/AMP guideline.

GeneDx
Classification: Pathogenic. Last evaluated: 2022-06-27. Review status: criteria provided, single submitter. Criteria: GeneDx Variant Classification Process June 2021. Collection method: clinical testing. Allele origin: germline. Affected: yes.
Comment: Located in the highly conserved Gly-X-Y repeat of the collagenous domain; Glycine substitution variants in this region of the COLVII protein destabilize the collagen triple helix resulting in skin fragility due to poor anchoring of the basement membrane to the underlying dermis (Pfendner and Lucky, 2018); Not observed at significant frequency in large population cohorts (gnomAD); In silico analysis supports that this missense variant has a deleterious effect on protein structure/function; This variant is associated with the following publications: (PMID: 25425313, 29500833, 22266148, 19197535, 34543471, 23397949)

Literature cited by the submitters: PubMed 19197535 (cited by 3billion); PubMed 22266148 (cited by 3billion); PubMed 23397949 (cited by 3billion).

NM_000094.4(COL7A1):c.5318G>T (p.Gly1773Val)

Gene: COL7A1 (collagen type VII alpha 1 chain; minus strand). Cytogenetic location: 3p21.31.
Variant type: single nucleotide variant.
Coding change: c.5318G>T on transcript NM_000094.4 (MANE Select); coding-DNA position 5318, G replaced by T.
Protein change: p.Gly1773Val; replaces glycine 1773 with valine.
Molecular consequence: missense variant.
Genome position (GRCh38, 1-based): chr3:48,579,267, C>A on the plus strand (G>T on the coding strand, the complement: COL7A1 is on the minus strand). VCF-style: chr3-48579267-C-A. GRCh37 (hg19) VCF-style: chr3-48616700-C-A.
Other names: short protein forms G1773V.
Identifiers: ClinVar variation 1693021 (VCV001693021.3), dbSNP rs2107697174, ClinGen allele CA352675970.